The following continues an entry in ClinVar:

NM_000152.5(GAA):c.546+5G>T

Gene: GAA. ClinVar aggregate classification (germline): Uncertain significance. Uncertain significance (1).

Submissions 9 to 11 of 11:

Genome-Nilou Lab
Classification: Uncertain significance for Glycogen storage disease, type II. Last evaluated: 2021-07-22. Review status: criteria provided, single submitter. Criteria: ACMG Guidelines, 2015. Collection method: clinical testing. Allele origin: germline. Affected: no. Not counted in ClinVar's aggregate classification.

Broad Center for Mendelian Genomics, Broad Institute of MIT and Harvard
Classification: Likely pathogenic for Glycogen storage disease, type II. Last evaluated: 2020-01-22. Review status: criteria provided, single submitter. Criteria: ACMG Guidelines, 2015. Collection method: curation. Allele origin: germline. Inheritance: Autosomal recessive inheritance. Not counted in ClinVar's aggregate classification.
Comment: The c.546+5G>T variant in GAA has been reported in at least two Taiwanese individuals with glycogen storage disease (PMID: 20080426, 21232767), and has been identified in 0.050% (9/18078) of East Asian chromosomes by the Genome Aggregation Database (gnomAD; dbSNP rs756024023). Although this variant has been seen in the general population, its frequency is low enough to be consistent with a recessive carrier frequency. This variant has also been reported in ClinVar as a VUS by Counsyl (VariationID: 557811). This variant is located in the 5' splice region. Computational prediction tools and conservation analyses suggest that this variant may impact the protein, though this information is not predictive enough to determine pathogenicity. The phenotype of individuals homozygous and compound heterozygous for this variant is highly specific for glycogen storage disease based on enzyme activity in in lymphocytes and fibroblasts being <10% of controls, consistent with disease (PMID: 21232767). Additionally, the presence of this variant in combination with a reported likely pathogenic variant p.Tyr360Ter, as well as a homozygous occurrence (PMID: 21232767), in individuals with glycogen storage disease increases the likelihood that the c.546+5G>T variant is pathogenic. In summary, although additional studies are required to fully establish its clinical significance, this variant is likely pathogenic. ACMG/AMP Criteria applied: PM3, PM2, PP4_moderate, PP3 (Richards 2015).

Counsyl
Classification: Uncertain significance for Glycogen storage disease, type II. Last evaluated: 2018-04-06. Review status: no assertion criteria provided. Collection method: clinical testing. Allele origin: unknown. Not counted in ClinVar's aggregate classification.

Literature cited by the submitters: PubMed 32014045 (cited by Genomenon, Inc); PubMed 34995642 (cited by Genomenon, Inc and Natera, Inc.); PubMed 31301153 (cited by 4 submitters); PubMed 21232767 (cited by 5 submitters); PubMed 17576681 (cited by Labcorp Genetics (formerly Invitae), Labcorp); PubMed 9536098 (cited by Labcorp Genetics (formerly Invitae), Labcorp); PubMed 21484825 (cited by Labcorp Genetics (formerly Invitae), Labcorp); PubMed 23000108 (cited by Labcorp Genetics (formerly Invitae), Labcorp); PubMed 24444888 (cited by Labcorp Genetics (formerly Invitae), Labcorp); PubMed 29149851 (cited by Labcorp Genetics (formerly Invitae), Labcorp); PubMed 31076647 (cited by Labcorp Genetics (formerly Invitae), Labcorp); PubMed 20080426 (cited by Broad Center for Mendelian Genomics, Broad Institute of MIT and Harvard).